The following is an entry in ClinVar:

NM_001184.4(ATR):c.1349+289A>G

Gene: ATR (ATR serine/threonine kinase; minus strand). Cytogenetic location: 3q23.
Variant type: single nucleotide variant.
Coding change: c.1349+289A>G on transcript NM_001184.4 (MANE Select); 289 bases into the intron after coding-DNA position 1349, A replaced by G.
Molecular consequence: intron variant.
Genome position (GRCh38, 1-based): chr3:142,560,954, T>C on the plus strand (A>G on the coding strand, the complement: ATR is on the minus strand). VCF-style: chr3-142560954-T-C. GRCh37 (hg19) VCF-style: chr3-142279796-T-C.
Other names: c.1349+289A>G (NM_001354579.2).
Identifiers: ClinVar variation 668019 (VCV000668019.1), dbSNP rs6440089, ClinGen allele CA15236901.
Genomic context (GRCh38, chr3:142,560,954, plus strand): 5'-AATGTTCAGAAGTAACTGAAATATGGCAACTTAGCCACTTTATAAAAAATAGTTGGTTAA[T>C]GTTTTAAAAATTGCTAATAGATGCACAGTCTCAAAGATTTTTCACATATTAAAAAGTTAA-3'

ClinVar aggregate classification (germline): Benign (1 of 4 stars; one submission).

Allele frequency attached by ClinVar (database versions not stated): 1000 Genomes Project 0.59924; 1000 Genomes Project 30x 0.60431; gnomAD 0.63227; TOPMed 0.63653.
gnomAD v4.1: 95,667 of 152,110 alleles (63%); highest among the groups gnomAD compares: African/African-American, 80%; 31,127 homozygotes.

Submission:

GeneDx
Classification: Benign. Last evaluated: 2018-06-16. Review status: criteria provided, single submitter. Criteria: GeneDx Variant Classification (06012015). Collection method: clinical testing. Allele origin: germline. Affected: yes.
Comment: This variant is considered likely benign or benign based on one or more of the following criteria: it is a conservative change, it occurs at a poorly conserved position in the protein, it is predicted to be benign by multiple in silico algorithms, and/or has population frequency not consistent with disease.